The following is an entry in ClinVar:

ClinVar aggregate classification (germline): Pathogenic (1 of 4 stars; one submission).

Submission:

Labcorp Genetics (formerly Invitae), Labcorp
Classification: Pathogenic. Last evaluated: 2025-12-19. Review status: criteria provided, single submitter. Criteria: Invitae Variant Classification Sherloc (09022015). Collection method: clinical testing. Allele origin: germline.
Comment: This sequence change creates a premature translational stop signal (p.Ser92Profs*141) in the DMP1 gene. While this is not anticipated to result in nonsense mediated decay, it is expected to disrupt the last 422 amino acid(s) of the DMP1 protein. This variant is not present in population databases (gnomAD no frequency). This variant has not been reported in the literature in individuals affected with DMP1-related conditions. This variant disrupts a region of the DMP1 protein in which other variant(s) (p.Glu179Argfs*54) have been determined to be pathogenic (PMID: 19796717). This suggests that this is a clinically significant region of the protein, and that variants that disrupt it are likely to be disease-causing. For these reasons, this variant has been classified as Pathogenic.

Literature cited by the submitters: PubMed 19796717.

NM_004407.4(DMP1):c.273del (p.Ser92fs)

Genes: DMP1 (dentin matrix acidic phosphoprotein 1; plus strand), DMP1-AS1 (DMP1 and DSPP antisense RNA 1; minus strand). Cytogenetic location: 4q22.1.
Variant type: Deletion.
Coding change: c.273del on transcript NM_004407.4 (MANE Select); coding-DNA position 273, one base deleted (C; older notation c.273delC).
Protein change: p.Ser92fs; shifts the reading frame from serine 92.
Molecular consequence: frameshift variant.
Genome position (GRCh38, 1-based): chr4:87,662,051, C deleted. VCF-style (leftmost placement, unchanged base first): chr4-87662050-TC-T. GRCh37 (hg19) VCF-style: chr4-88583202-TC-T.
Other names: c.225del, p.Ser76fs (NM_001079911.3); short protein forms S92fs, S76fs.
Identifiers: ClinVar variation 4732576 (VCV004732576.1).